The following is an entry in ClinVar:

ClinVar aggregate classification (germline): Uncertain significance (1 of 4 stars; one submission).

gnomAD v4.1: 2 of 1,610,042 alleles (0.00012%); highest among the groups gnomAD compares: Non-Finnish European, 0.00017%; no homozygotes.

Submission:

Labcorp Genetics (formerly Invitae), Labcorp
Classification: Uncertain significance. Last evaluated: 2023-07-14. Review status: criteria provided, single submitter. Criteria: Invitae Variant Classification Sherloc (09022015). Collection method: clinical testing. Allele origin: germline.
Comment: This variant has not been reported in the literature in individuals affected with IKZF1-related conditions. In summary, the available evidence is currently insufficient to determine the role of this variant in disease. Therefore, it has been classified as a Variant of Uncertain Significance. Experimental studies and prediction algorithms are not available or were not evaluated, and the effect of this variant on mRNA splicing is currently unknown. This variant is not present in population databases (gnomAD no frequency). This sequence change affects codon 236 of the IKZF1 mRNA. It is a 'silent' change, meaning that it does not change the encoded amino acid sequence of the IKZF1 protein.

NM_006060.6(IKZF1):c.708G>C (p.Leu236=)

Gene: IKZF1 (IKAROS family zinc finger 1; plus strand). Cytogenetic location: 7p12.2.
Variant type: single nucleotide variant.
Coding change: c.708G>C on transcript NM_006060.6 (MANE Select); coding-DNA position 708, G replaced by C.
Protein change: p.Leu236=; no amino-acid change (leucine 236 retained).
Molecular consequence: synonymous variant. On other transcripts: intron variant (9).
Genome position (GRCh38, 1-based): chr7:50,387,463, G>C. VCF-style: chr7-50387463-G-C. GRCh37 (hg19) VCF-style: chr7-50455161-G-C.
Other names: c.447G>C, p.Leu149= (NM_001220767.2, NM_001291838.2); c.279G>C, p.Leu93= (NM_001291841.1, NM_001291842.1); c.768G>C, p.Leu256= (NM_001410879.1); c.329-4266G>C (NM_001291839.2, NM_001220770.2); c.590-4266G>C (NM_001220765.3, NM_001291837.2); c.589+4756G>C (NM_001220768.2); c.421+10670G>C (NM_001220771.2); c.161-4266G>C (NM_001291843.1, NM_001291844.1); and 1 more.
Identifiers: ClinVar variation 2777660 (VCV002777660.3), dbSNP rs1473930163, ClinGen allele CA2578891150.